The following is an entry in ClinVar:

ClinVar aggregate classification (germline): Benign/Likely benign. Review status: criteria provided, multiple submitters, no conflicts (2 of 4 stars). 4 submissions from 4 submitters: Benign (1); Likely benign (3). Last evaluated 2025-10-29.

Conditions:
Hypogonadotropic hypogonadism 2 with or without anosmia (HH2). Also called: HYPOGONADOTROPIC HYPOGONADISM 2 WITH OR WITHOUT ANOSMIA, SUSCEPTIBILITY TO; HYPOGONADOTROPIC HYPOGONADISM 2 WITHOUT ANOSMIA, SUSCEPTIBILITY TO; HYPOGONADOTROPIC HYPOGONADISM 2 WITHOUT ANOSMIA; FGFR1-Related GnRH Deficiency (Kallmann Syndrome 2). Identifiers: Orphanet 478, MedGen C1563720, MONDO:0007844, OMIM 147950. Disease mechanism: loss of function.
Pfeiffer syndrome (ACS5). Also called: ACS V. Identifiers: Orphanet 710, MedGen C0220658, MONDO:0007043, OMIM 101600.

Allele frequency attached by ClinVar (database versions not stated): ESP Exome Variant Server 0.00055; gnomAD exomes 0.00068; ExAC 0.00069; gnomAD 0.00069 and 0.00071; TOPMed 0.00069.
gnomAD v4.1: 1,511 of 1,608,384 alleles (0.094%); highest among the groups gnomAD compares: Non-Finnish European, 0.11%; 3 homozygotes.

Submissions (4):

Labcorp Genetics (formerly Invitae), Labcorp
Classification: Benign for Pfeiffer syndrome; Hypogonadotropic hypogonadism 2 with or without anosmia. Last evaluated: 2025-10-29. Review status: criteria provided, single submitter. Criteria: Invitae Variant Classification Sherloc (09022015). Collection method: clinical testing. Allele origin: germline.

Blueprint Genetics
Classification: Likely benign. Last evaluated: 2024-10-29. Review status: criteria provided, single submitter. Criteria: ACMG Guidelines, 2015. Collection method: clinical testing. Allele origin: germline.

GeneDx
Classification: Likely benign. Last evaluated: 2017-02-08. Review status: criteria provided, single submitter. Criteria: GeneDx Variant Classification (06012015). Collection method: clinical testing. Allele origin: germline. Affected: yes.
Comment: This variant is considered likely benign or benign based on one or more of the following criteria: it is a conservative change, it occurs at a poorly conserved position in the protein, it is predicted to be benign by multiple in silico algorithms, and/or has population frequency not consistent with disease.

Breakthrough Genomics
Classification: Likely benign. Review status: criteria provided, single submitter. Criteria: ACMG Guidelines, 2015. Collection method: not provided. Allele origin: germline. Inheritance: Autosomal dominant inheritance. Affected: yes.

NM_023110.3(FGFR1):c.1855-16C>T

Gene: FGFR1 (fibroblast growth factor receptor 1; minus strand). Cytogenetic location: 8p11.23.
Variant type: single nucleotide variant.
Coding change: c.1855-16C>T on transcript NM_023110.3 (MANE Select); 16 bases into the intron before coding-DNA position 1855, C replaced by T.
Molecular consequence: intron variant.
Genome position (GRCh38, 1-based): chr8:38,414,917, G>A on the plus strand (C>T on the coding strand, the complement: FGFR1 is on the minus strand). VCF-style: chr8-38414917-G-A. GRCh37 (hg19) VCF-style: chr8-38272435-G-A.
Other names: c.1576-16C>T (NM_001354368.2); c.1582-16C>T (NM_001354370.2, NM_023106.3); c.1588-16C>T (NM_023105.3, NM_001174066.2); c.1849-16C>T (NM_001354367.2, NM_015850.4, NM_001174063.2 and 1 more transcripts); c.1825-16C>T (NM_001174064.2); c.1843-16C>T (NM_001354369.2); c.1948-16C>T (NM_001174067.2).
Identifiers: ClinVar variation 516593 (VCV000516593.10), dbSNP rs371160786, ClinGen allele CA4718245.
Genomic context (GRCh38, chr8:38,414,917, plus strand): 5'-CTCTGTCACCAGGACATTCCTGGCTGCCAGGTCTCGGTGTATGCACTGAGGAAGGAGGAA[G>A]GGAGAGCGGGAGGCGGGGAGGTGAGGGAGCTGGAAGGCTCTGGGCGGCCGCCACCCATGC-3'